The following is an entry in ClinVar:

NM_033087.4(ALG2):c.31T>C (p.Ser11Pro)

Gene: ALG2 (ALG2 alpha-1,3/1,6-mannosyltransferase; minus strand). Cytogenetic location: 9q22.33.
Variant type: single nucleotide variant.
Coding change: c.31T>C on transcript NM_033087.4 (MANE Select); coding-DNA position 31, T replaced by C.
Protein change: p.Ser11Pro; replaces serine 11 with proline.
Molecular consequence: missense variant. On other transcripts: non-coding transcript variant (1).
Genome position (GRCh38, 1-based): chr9:99,221,864, A>G on the plus strand (T>C on the coding strand, the complement: ALG2 is on the minus strand). VCF-style: chr9-99221864-A-G. GRCh37 (hg19) VCF-style: chr9-101984146-A-G.
Other names: short protein forms S11P.
Identifiers: ClinVar variation 96237 (VCV000096237.17), dbSNP rs11545137, ClinGen allele CA149383.

ClinVar aggregate classification (germline): Benign. Review status: criteria provided, multiple submitters, no conflicts (2 of 4 stars). 6 submissions from 6 submitters: Benign (6). Last evaluated 2026-02-02.

Conditions:
Congenital disorder of glycosylation, type Ii. Also called: CDG Ii; ALG2-congenital disorder of glycosylation; ALG2-CDG. Identifiers: Orphanet 79326, MedGen C1842836, MONDO:0011933, OMIM 607906.
Congenital myasthenic syndrome 14. Also called: Myasthenic syndrome, congenital, 14, with tubular aggregates. Identifiers: Orphanet 353327, Orphanet 590, MedGen C4015597, MONDO:0014543, OMIM 616228.

Allele frequency attached by ClinVar (database versions not stated): 1000 Genomes Project 30x 0.03779; ESP Exome Variant Server 0.05172; 1000 Genomes Project 0.03834; gnomAD 0.05396 and 0.05446; TOPMed 0.05378; gnomAD exomes 0.06120 and 0.07442; ExAC 0.07324.
gnomAD v4.1: 115,091 of 1,591,414 alleles (7.2%); highest among the groups gnomAD compares: Non-Finnish European, 8.1%; 4,653 homozygotes.

Submissions (6):

Labcorp Genetics (formerly Invitae), Labcorp
Classification: Benign for Congenital disorder of glycosylation, type Ii; Congenital myasthenic syndrome 14. Last evaluated: 2026-02-02. Review status: criteria provided, single submitter. Criteria: Invitae Variant Classification Sherloc (09022015). Collection method: clinical testing. Allele origin: germline.

Mayo Clinic Laboratories, Mayo Clinic
Classification: Benign. Last evaluated: 2018-07-02. Review status: criteria provided, single submitter. Criteria: ACMG Guidelines, 2015. Collection method: clinical testing. Allele origin: germline. Observed: 70 variant alleles.

GeneDx
Classification: Benign. Last evaluated: 2015-12-21. Review status: criteria provided, single submitter. Criteria: GeneDx Variant Classification (06012015). Collection method: clinical testing. Allele origin: germline. Affected: yes.
Comment: This variant is considered likely benign or benign based on one or more of the following criteria: it is a conservative change, it occurs at a poorly conserved position in the protein, it is predicted to be benign by multiple in silico algorithms, and/or has population frequency not consistent with disease.

Eurofins Ntd Llc (ga)
Classification: Benign. Last evaluated: 2012-10-04. Review status: criteria provided, single submitter. Criteria: EGL Classification Definitions 2015. Collection method: clinical testing. Allele origin: germline. Observed: 4 variant alleles, 4 heterozygotes.

Breakthrough Genomics
Classification: Benign. Review status: criteria provided, single submitter. Criteria: ACMG Guidelines, 2015. Collection method: not provided. Allele origin: germline. Inheritance: Autosomal recessive inheritance. Affected: yes.

PreventionGenetics, part of Exact Sciences
Classification: Benign. Review status: criteria provided, single submitter. Criteria: ACMG Guidelines, 2015. Collection method: clinical testing. Allele origin: germline.